The following is an entry in ClinVar:

NM_201384.3(PLEC):c.8827C>T (p.Arg2943Trp)

Gene: PLEC (plectin; minus strand). Cytogenetic location: 8q24.3.
Variant type: single nucleotide variant.
Coding change: c.8827C>T on transcript NM_201384.3 (MANE Select); coding-DNA position 8827, C replaced by T.
Protein change: p.Arg2943Trp; replaces arginine 2943 with tryptophan.
Molecular consequence: missense variant.
Genome position (GRCh38, 1-based): chr8:143,920,994, G>A on the plus strand (C>T on the coding strand, the complement: PLEC is on the minus strand). VCF-style: chr8-143920994-G-A. GRCh37 (hg19) VCF-style: chr8-144995162-G-A.
Other names: c.8908C>T, p.Arg2970Trp (NM_000445.5); c.8785C>T, p.Arg2929Trp (NM_201378.4); c.8761C>T, p.Arg2921Trp (NM_201379.3); c.9238C>T, p.Arg3080Trp (NM_201380.4); c.8731C>T, p.Arg2911Trp (NM_201381.3); c.8827C>T, p.Arg2943Trp (NM_201382.4); c.8839C>T, p.Arg2947Trp (NM_201383.3); short protein forms R2943W, R2921W, R2929W, R2911W, R2970W, R3080W, R2947W.
Identifiers: ClinVar variation 652020 (VCV000652020.8), dbSNP rs760837198, ClinGen allele CA4925169.

ClinVar aggregate classification (germline): Uncertain significance (1 of 4 stars; one submission).

Conditions:
Epidermolysis bullosa simplex, Ogna type (EBS5A). Also called: Pidermolysis bullosa simplex 5A, Ogna type; EPIDERMOLYSIS BULLOSA SIMPLEX 5A, OGNA TYPE. Identifiers: Orphanet 79401, MedGen C0432317, MONDO:0007555, OMIM 131950.
Epidermolysis bullosa simplex 5C, with pyloric atresia (EBS5C). Also called: Epidermolysis bullosa simplex with pyloric atresia; PLEC-Related Epidermolysis Bullosa with Pyloric Atresia; PLEC1-Related Epidermolysis Bullosa with Pyloric Atresia. Identifiers: Orphanet 158684, MedGen C2677349, MONDO:0012807, OMIM 612138.
Epidermolysis bullosa simplex with nail dystrophy (EBS5D). Identifiers: MedGen C4225309, MONDO:0014661, OMIM 616487.
Epidermolysis bullosa simplex 5B, with muscular dystrophy (EBS5B). Also called: EPIDERMOLYSIS BULLOSA SIMPLEX AND LIMB-GIRDLE MUSCULAR DYSTROPHY; Epidermolysis bullosa simplex with muscular dystrophy. Identifiers: Orphanet 257, MedGen C2931072, MONDO:0009181, OMIM 226670.
Autosomal recessive limb-girdle muscular dystrophy type 2Q (LGMDR17). Also called: MUSCULAR DYSTROPHY, LIMB-GIRDLE, AUTOSOMAL RECESSIVE 17. Identifiers: Orphanet 254361, MedGen C3150989, MONDO:0013390, OMIM 613723.

Allele frequency attached by ClinVar (database versions not stated): gnomAD 0.00001; gnomAD exomes 0.00001; TOPMed 0.00003.
gnomAD v4.1: 25 of 1,612,912 alleles (0.0015%); highest among the groups gnomAD compares: Middle Eastern, 0.033%; no homozygotes.

Submission:

Labcorp Genetics (formerly Invitae), Labcorp
Classification: Uncertain significance for Autosomal recessive limb-girdle muscular dystrophy type 2Q; Epidermolysis bullosa simplex, Ogna type; Epidermolysis bullosa simplex with nail dystrophy; Epidermolysis bullosa simplex 5C, with pyloric atresia; Epidermolysis bullosa simplex 5B, with muscular dystrophy. Last evaluated: 2022-01-19. Review status: criteria provided, single submitter. Criteria: Invitae Variant Classification Sherloc (09022015). Collection method: clinical testing. Allele origin: germline.
Comment: This variant has not been reported in the literature in individuals affected with PLEC-related conditions. This variant is present in population databases (rs760837198, gnomAD 0.007%). This sequence change replaces arginine, which is basic and polar, with tryptophan, which is neutral and slightly polar, at codon 2970 of the PLEC protein (p.Arg2970Trp). ClinVar contains an entry for this variant (Variation ID: 652020). In summary, the available evidence is currently insufficient to determine the role of this variant in disease. Therefore, it has been classified as a Variant of Uncertain Significance. Algorithms developed to predict the effect of missense changes on protein structure and function (SIFT, PolyPhen-2, Align-GVGD) all suggest that this variant is likely to be disruptive.